The following is an entry in ClinVar:

ClinVar aggregate classification (germline): Uncertain significance (1 of 4 stars; one submission).

Conditions:
Deficiency of malonyl-CoA decarboxylase. Also called: Malonic aciduria; MCD deficiency. Identifiers: Orphanet 943, MedGen C0342793, MONDO:0009556, OMIM 248360.

gnomAD v4.1: 12 of 1,453,300 alleles (0.00083%); highest among the groups gnomAD compares: Non-Finnish European, 0.0011%; no homozygotes.

Submission:

ARUP Laboratories, Molecular Genetics and Genomics, ARUP Laboratories
Classification: Uncertain significance for Deficiency of malonyl-CoA decarboxylase. Last evaluated: 2025-04-07. Review status: criteria provided, single submitter. Criteria: ARUP Molecular Germline Variant Investigation Process 2024. Collection method: clinical testing. Allele origin: germline.
Comment: The MLYCD c.124G>A; p.Glu42Lys variant (rs1464925145), to our knowledge, is not reported in the medical literature or gene specific databases. This variant is also absent from the Genome Aggregation Database (v2.1.1), indicating it is not a common polymorphism. Computational analyses are uncertain whether this variant is neutral or deleterious (REVEL: 0.49). Due to limited information, the clinical significance of this variant is uncertain at this time.

NM_012213.3(MLYCD):c.124G>A (p.Glu42Lys)

Genes: MLYCD (malonyl-CoA decarboxylase; plus strand), LOC130059554 (ATAC-STARR-seq lymphoblastoid silent region 7769; plus strand). Cytogenetic location: 16q23.3.
Variant type: single nucleotide variant.
Coding change: c.124G>A on transcript NM_012213.3 (MANE Select); coding-DNA position 124, G replaced by A.
Protein change: p.Glu42Lys; replaces glutamic acid 42 with lysine.
Molecular consequence: missense variant.
Genome position (GRCh38, 1-based): chr16:83,899,268, G>A. VCF-style: chr16-83899268-G-A. GRCh37 (hg19) VCF-style: chr16-83932873-G-A.
Other names: short protein forms E42K.
Identifiers: ClinVar variation 4685733 (VCV004685733.1).